The following is an entry in ClinVar:

NM_006939.4(SOS2):c.3076C>T (p.Pro1026Ser)

Gene: SOS2 (SOS Ras/Rho guanine nucleotide exchange factor 2; minus strand). Cytogenetic location: 14q21.3.
Variant type: single nucleotide variant.
Coding change: c.3076C>T on transcript NM_006939.4 (MANE Select); coding-DNA position 3076, C replaced by T.
Protein change: p.Pro1026Ser; replaces proline 1026 with serine.
Molecular consequence: missense variant.
Genome position (GRCh38, 1-based): chr14:50,130,762, G>A on the plus strand (C>T on the coding strand, the complement: SOS2 is on the minus strand). VCF-style: chr14-50130762-G-A. GRCh37 (hg19) VCF-style: chr14-50597480-G-A.
Other names: c.3076C>T (NM_006939.3); short protein forms P1026S.
Identifiers: ClinVar variation 561959 (VCV000561959.32), dbSNP rs201874067, ClinGen allele CA7176872.

ClinVar aggregate classification (germline): Conflicting classifications of pathogenicity. Review status: criteria provided, conflicting classifications (1 of 4 stars). 10 submissions from 10 submitters: Uncertain significance (7); Likely benign (3). Last evaluated 2026-10-01.

Conditions:
Cardiovascular phenotype. Identifiers: MedGen CN230736.
SOS2-related disorder. Also called: SOS2-related condition.
Noonan syndrome 9 (NS9). Identifiers: Orphanet 648, MedGen C4225282, MONDO:0014691, OMIM 616559.

Allele frequency attached by ClinVar (database versions not stated): gnomAD 0.00003 and 0.00004; TOPMed 0.00004; gnomAD exomes 0.00007; ExAC 0.00009; ESP Exome Variant Server 0.00015.
gnomAD v4.1: 104 of 1,591,824 alleles (0.0065%); highest among the groups gnomAD compares: Middle Eastern, 0.084%; no homozygotes.

Submissions (10):

St. Jude Molecular Pathology, St. Jude Children's Research Hospital
Classification: Uncertain significance for Noonan syndrome 9. Last evaluated: 2026-10-01. Review status: criteria provided, single submitter. Criteria: St. Jude Assertion Criteria 2020. Collection method: clinical testing. Allele origin: germline.
Comment: The SO S2 c.3076C>T p.(Pro1026Ser) missense change has a maximum subpopulation frequency of 0.01% in gnomAD v2.1.1. The in silico tool REVEL predicts a benign effect on protein function, but to our knowledge this prediction has not been confirmed by functional studies. To our knowledge, this variant has not been reported in individuals with Noonan syndrome. In summary, the evidence currently available is insufficient to determine the clinical significance of this variant. I t has therefore been classified as of uncertain significance.

Labcorp Genetics (formerly Invitae), Labcorp
Classification: Uncertain significance for Noonan syndrome 9. Last evaluated: 2026-01-13. Review status: criteria provided, single submitter. Criteria: Invitae Variant Classification Sherloc (09022015). Collection method: clinical testing. Allele origin: germline.
Comment: This sequence change replaces proline, which is neutral and non-polar, with serine, which is neutral and polar, at codon 1026 of the SOS2 protein (p.Pro1026Ser). This variant is present in population databases (rs201874067, gnomAD 0.01%). This variant has not been reported in the literature in individuals affected with SOS2-related conditions. ClinVar contains an entry for this variant (Variation ID: 561959). Invitae Evidence Modeling of protein sequence and biophysical properties (such as structural, functional, and spatial information, amino acid conservation, physicochemical variation, residue mobility, and thermodynamic stability) indicates that this missense variant is not expected to disrupt SOS2 protein function with a negative predictive value of 95%. In summary, the available evidence is currently insufficient to determine the role of this variant in disease. Therefore, it has been classified as a Variant of Uncertain Significance.

Dasa
Classification: Likely benign. Last evaluated: 2025-11-07. Review status: criteria provided, single submitter. Criteria: DASA Assertion Criteria. Collection method: clinical testing. Allele origin: germline.
Comment: NM_006939.4(SOS2):c.3076C>T (p.Pro1026Ser) is a missense variant that results in the substitution of proline with serine. Population frequency is inconsistent with a disease-causing role for this variant. Therefore, based on the currently available evidence, this variant is classified as likely benign.

Ambry Genetics
Classification: Uncertain significance for Cardiovascular phenotype. Last evaluated: 2025-07-29. Review status: criteria provided, single submitter. Criteria: Ambry Variant Classification Scheme 2023. Collection method: clinical testing. Allele origin: germline.
Comment: The p.P1026S variant (also known as c.3076C>T) is located in coding exon 20 of the SOS2 gene. The proline at codon 1026 is replaced by serine, an amino acid with similar properties. This change occurs in the first base pair of coding exon 20. This amino acid position is conserved. In addition, this alteration is predicted to be tolerated by in silico analysis. Since supporting evidence is limited at this time, the clinical significance of this alteration remains unclear.

CeGaT Center for Human Genetics Tuebingen
Classification: Uncertain significance. Last evaluated: 2024-10-01. Review status: criteria provided, single submitter. Criteria: CeGaT Center For Human Genetics Tuebingen Variant Classification Criteria Version 2. Collection method: clinical testing. Allele origin: germline. Affected: yes. Observed: 1 variant allele.

Blueprint Genetics
Classification: Likely benign. Last evaluated: 2024-05-08. Review status: criteria provided, single submitter. Criteria: ACMG Guidelines, 2015. Collection method: clinical testing. Allele origin: germline.

Women's Health and Genetics/Laboratory Corporation of America, LabCorp
Classification: Likely benign. Last evaluated: 2024-01-22. Review status: criteria provided, single submitter. Criteria: LabCorp Variant Classification Summary - May 2015. Collection method: clinical testing. Allele origin: germline.

PreventionGenetics, part of Exact Sciences
Classification: Uncertain significance for SOS2-related condition. Last evaluated: 2022-11-22. Review status: criteria provided, single submitter. Criteria: ACMG Guidelines, 2015. Collection method: clinical testing. Allele origin: germline.
Comment: The SOS2 c.3076C>T variant is predicted to result in the amino acid substitution p.Pro1026Ser. To our knowledge, this variant has not been reported in the literature. This variant is reported in 0.011% of alleles in individuals of European (Non-Finnish) descent in gnomAD. Although we suspect that this variant may be benign, at this time, the clinical significance of this variant is uncertain due to the absence of conclusive functional and genetic evidence.

GeneDx
Classification: Uncertain significance. Last evaluated: 2018-07-20. Review status: criteria provided, single submitter. Criteria: GeneDx Variant Classification (06012015). Collection method: clinical testing. Allele origin: germline. Affected: yes.
Comment: The P1026S variant has not been published as a pathogenic variant, nor has it been reported as a benign variant to our knowledge. The P1026S variant is not observed at a significant frequency in large population cohorts (Lek et al., 2016). The P1026S variant is a non-conservative amino acid substitution, which is likely to impact secondary protein structure as these residues differ in polarity, charge, size and/or other properties. In-silico analyses, including protein predictors and evolutionary conservation, support a deleterious effect. In summary, based on the currently available information, it is unclear whether this variant is a pathogenic variant or a rare benign variant.

Genome-Nilou Lab
Classification: Uncertain significance for Noonan syndrome 9. Review status: criteria provided, single submitter. Criteria: ACMG Guidelines, 2015. Collection method: clinical testing. Allele origin: germline.